The following is an entry in ClinVar:

ClinVar aggregate classification (germline): Conflicting classifications of pathogenicity. Review status: criteria provided, conflicting classifications (1 of 4 stars). 4 submissions from 4 submitters: Uncertain significance (1); Likely benign (2). 1 of the submissions does not count toward it. Last evaluated 2025-12-08.

Conditions:
Meckel-Gruber syndrome. Also called: Dysencephalia splachnocystica; DYSENCEPHALIA SPLANCHNOCYSTICA; GRUBER SYNDROME. Identifiers: Orphanet 564, MedGen C0265215, MONDO:0018921.
Joubert syndrome. Also called: Familial aplasia of the vermis; JOUBERT-BOLTSHAUSER SYNDROME. Identifiers: Orphanet 475, MedGen C5979921, MONDO:0018772.
CC2D2A-related disorder. Also called: CC2D2A-related disorders; CC2D2A-related condition. Identifiers: MedGen CN239313.

Allele frequency attached by ClinVar (database versions not stated): gnomAD exomes 0.00001; ExAC 0.00002; gnomAD 0.00007; TOPMed 0.00007.

Submissions (4):

Labcorp Genetics (formerly Invitae), Labcorp
Classification: Likely benign for Joubert syndrome; Meckel-Gruber syndrome. Last evaluated: 2025-12-08. Review status: criteria provided, single submitter. Criteria: Invitae Variant Classification Sherloc (09022015). Collection method: clinical testing. Allele origin: germline.

Blueprint Genetics
Classification: Likely benign. Last evaluated: 2024-10-16. Review status: criteria provided, single submitter. Criteria: ACMG Guidelines, 2015. Collection method: clinical testing. Allele origin: germline.

Eurofins Ntd Llc (ga)
Classification: Uncertain significance. Last evaluated: 2017-08-03. Review status: criteria provided, single submitter. Criteria: EGL Classification Definitions 2015. Collection method: clinical testing. Allele origin: germline. Observed: 1 variant allele, 1 heterozygote.

PreventionGenetics, part of Exact Sciences
Classification: Likely benign for CC2D2A-related condition. Last evaluated: 2024-06-21. Review status: no assertion criteria provided. Collection method: clinical testing. Allele origin: germline. Not counted in ClinVar's aggregate classification.
Comment: This variant is classified as likely benign based on ACMG/AMP sequence variant interpretation guidelines (Richards et al. 2015 PMID: 25741868, with internal and published modifications).

NM_001378615.1(CC2D2A):c.4512A>G (p.Leu1504=)

Genes: CC2D2A (coiled-coil and C2 domain containing 2A; plus strand), FBXL5 (F-box and leucine rich repeat protein 5; minus strand). Cytogenetic location: 4p15.32.
Variant type: single nucleotide variant.
Coding change: c.4512A>G on transcript NM_001378615.1 (MANE Select); coding-DNA position 4512, A replaced by G.
Protein change: p.Leu1504=; no amino-acid change (leucine 1504 retained).
Molecular consequence: synonymous variant.
Genome position (GRCh38, 1-based): chr4:15,599,544, A>G. VCF-style: chr4-15599544-A-G. GRCh37 (hg19) VCF-style: chr4-15601167-A-G.
Other names: c.4512A>G, p.Leu1504= (NM_001080522.2); c.4365A>G, p.Leu1455= (NM_001378617.1).
Identifiers: ClinVar variation 593313 (VCV000593313.16), dbSNP rs762143074, ClinGen allele CA2864403.